The following is an entry in ClinVar:

ClinVar aggregate classification (germline): Uncertain significance (1 of 4 stars; one submission).

Conditions:
Osteogenesis imperfecta type I (OI1). Also called: Classic Non-deforming Osteogenesis Imperfecta with Blue Sclerae; OI, TYPE I; OSTEOGENESIS IMPERFECTA TARDA; OSTEOGENESIS IMPERFECTA WITH BLUE SCLERAE; Osteogenesis imperfecta type 1; Lobstein's Disease. Identifiers: Orphanet 216796, Orphanet 666, MedGen C0023931, MONDO:0008146, OMIM 166200. Disease mechanism: loss of function.

Submission:

Labcorp Genetics (formerly Invitae), Labcorp
Classification: Uncertain significance for Osteogenesis imperfecta type I. Last evaluated: 2023-10-15. Review status: criteria provided, single submitter. Criteria: Invitae Variant Classification Sherloc (09022015). Collection method: clinical testing. Allele origin: germline.
Comment: This sequence change falls in intron 2 of the COL1A1 gene. It does not directly change the encoded amino acid sequence of the COL1A1 protein. This variant is not present in population databases (gnomAD no frequency). This variant has not been reported in the literature in individuals affected with COL1A1-related conditions. Algorithms developed to predict the effect of sequence changes on RNA splicing suggest that this variant may disrupt the consensus splice site. In summary, the available evidence is currently insufficient to determine the role of this variant in disease. Therefore, it has been classified as a Variant of Uncertain Significance.

NM_000088.4(COL1A1):c.299-4C>A

Gene: COL1A1 (collagen type I alpha 1 chain; minus strand). Cytogenetic location: 17q21.33.
Variant type: single nucleotide variant.
Coding change: c.299-4C>A on transcript NM_000088.4 (MANE Select); 4 bases into the intron before coding-DNA position 299, C replaced by A.
Molecular consequence: intron variant.
Genome position (GRCh38, 1-based): chr17:50,199,594, G>T on the plus strand (C>A on the coding strand, the complement: COL1A1 is on the minus strand). VCF-style: chr17-50199594-G-T. GRCh37 (hg19) VCF-style: chr17-48276955-G-T.
Identifiers: ClinVar variation 2911736 (VCV002911736.3), dbSNP rs780745594, ClinGen allele CA2576317777.